The following is an entry in ClinVar:

NM_080425.4(GNAS):c.774C>G (p.Val258=)

Gene: GNAS (GNAS complex locus; plus strand). Cytogenetic location: 20q13.32.
Variant type: single nucleotide variant.
Coding change: c.774C>G on transcript NM_080425.4 (MANE Plus Clinical); coding-DNA position 774, C replaced by G.
Protein change: p.Val258=; no amino-acid change (valine 258 retained).
Molecular consequence: synonymous variant. On other transcripts: missense variant (2), intron variant (3).
Genome position (GRCh38, 1-based): chr20:58,854,039, C>G. VCF-style: chr20-58854039-C-G. GRCh37 (hg19) VCF-style: chr20-57429094-C-G.
Other names: c.587C>G, p.Ser196Trp (NM_001077490.3, NM_001309883.1); c.774C>G, p.Val258= (NM_001410913.1); c.*42+13153C>G (NM_016592.5); c.43+13153C>G (NM_001410912.1); c.-39+12164C>G (NM_001309861.2); short protein forms S196W.
Identifiers: ClinVar variation 3041008 (VCV003041008.2), dbSNP rs762737117, ClinGen allele CA9926548.

ClinVar aggregate classification (germline): Likely benign (0 of 4 stars; one submission).

Conditions:
GNAS-related disorder. Identifiers: MedGen CN380105.

Allele frequency attached by ClinVar (database versions not stated): gnomAD 0.00004; ExAC 0.00001.
gnomAD v4.1: 25 of 1,610,800 alleles (0.0016%); highest among the groups gnomAD compares: African/African-American, 0.012%; no homozygotes.

Submission:

PreventionGenetics, part of Exact Sciences
Classification: Likely benign for GNAS-related condition. Last evaluated: 2019-09-17. Review status: no assertion criteria provided. Collection method: clinical testing. Allele origin: germline.
Comment: This variant is classified as likely benign based on ACMG/AMP sequence variant interpretation guidelines (Richards et al. 2015 PMID: 25741868, with internal and published modifications).